The following is an entry in ClinVar:

NM_004453.4(ETFDH):c.838del (p.Val280fs)

Gene: ETFDH (electron transfer flavoprotein dehydrogenase; plus strand). Cytogenetic location: 4q32.1.
Variant type: Deletion.
Coding change: c.838del on transcript NM_004453.4 (MANE Select); coding-DNA position 838, one base deleted (G; older notation c.838delG).
Protein change: p.Val280fs; shifts the reading frame from valine 280.
Molecular consequence: frameshift variant.
Genome position (GRCh38, 1-based): chr4:158,697,565, G deleted; the last of 3 consecutive G bases (chr4:158,697,563-158,697,565); deleting any one gives the same sequence. VCF-style (leftmost placement, unchanged base first): chr4-158697562-TG-T. GRCh37 (hg19) VCF-style: chr4-159618714-TG-T.
Other names: c.838delG (NM_004453.3); c.697del, p.Val233fs (NM_001281737.2); c.655del, p.Val219fs (NM_001281738.1); short protein forms V280fs, V219fs, V233fs.
Identifiers: ClinVar variation 3022689 (VCV003022689.4), dbSNP rs1561246744, ClinGen allele CA555633600.

ClinVar aggregate classification (germline): Pathogenic/Likely pathogenic. Review status: criteria provided, multiple submitters, no conflicts (2 of 4 stars). 2 submissions from 2 submitters: Pathogenic (1); Likely pathogenic (1). Last evaluated 2024-03-13.

Conditions:
Glutaric acidemia type 2C.
Multiple acyl-CoA dehydrogenase deficiency (MADD). Also called: Glutaric Acidemia type 2; Glutaric aciduria, type 2; Glutaric acidemia type II; GA 2; ETHYLMALONIC-ADIPICACIDURIA; GA II. Identifiers: Orphanet 26791, MedGen C0268596, MONDO:0009282, OMIM 231680.

Submissions (2):

Natera, Inc.
Classification: Likely pathogenic for Glutaric acidemia type 2C. Last evaluated: 2024-03-13. Review status: criteria provided, single submitter. Criteria: Natera Variant Classification Schema (03/2026). Collection method: clinical testing. Allele origin: germline.
Comment: The c.838delG variant in ETFDH is a frameshift variant predicted to shift the reading frame beginning at codon 280 and leads to a stop codon 12 codons downstream. This variant is expected to result in nonsense mediated decay, truncation, or a dysfunctional protein product. This variant is rare in the general population with a frequency below the threshold expected for the associated phenotype(s). Given the available evidence, this variant is classified as Likely Pathogenic.

Labcorp Genetics (formerly Invitae), Labcorp
Classification: Pathogenic for Multiple acyl-CoA dehydrogenase deficiency. Last evaluated: 2023-11-14. Review status: criteria provided, single submitter. Criteria: Invitae Variant Classification Sherloc (09022015). Collection method: clinical testing. Allele origin: germline.
Comment: This sequence change creates a premature translational stop signal (p.Val280Leufs*12) in the ETFDH gene. It is expected to result in an absent or disrupted protein product. Loss-of-function variants in ETFDH are known to be pathogenic (PMID: 16510302, 23785301). This variant is present in population databases (no rsID available, gnomAD 0.0009%). This variant has not been reported in the literature in individuals affected with ETFDH-related conditions. For these reasons, this variant has been classified as Pathogenic.

Literature cited by the submitters: PubMed 16510302 (cited by Labcorp Genetics (formerly Invitae), Labcorp); PubMed 23785301 (cited by Labcorp Genetics (formerly Invitae), Labcorp).